The following is an entry in ClinVar:

ClinVar aggregate classification (germline): Uncertain significance (1 of 4 stars; one submission).

Submission:

GeneDx
Classification: Uncertain significance. Last evaluated: 2019-05-24. Review status: criteria provided, single submitter. Criteria: GeneDx Variant Classification Process June 2021. Collection method: clinical testing. Allele origin: germline. Affected: yes.
Comment: Not observed in large population cohorts (Lek et al., 2016); In silico analysis, which includes protein predictors and evolutionary conservation, supports a deleterious effect; Has not been previously published as pathogenic or benign to our knowledge

NM_000170.3(GLDC):c.2169G>T (p.Gln723His)

Gene: GLDC (glycine decarboxylase; minus strand). Cytogenetic location: 9p24.1.
Variant type: single nucleotide variant.
Coding change: c.2169G>T on transcript NM_000170.3 (MANE Select); coding-DNA position 2169, G replaced by T.
Protein change: p.Gln723His; replaces glutamine 723 with histidine.
Molecular consequence: missense variant.
Genome position (GRCh38, 1-based): chr9:6,556,186, C>A on the plus strand (G>T on the coding strand, the complement: GLDC is on the minus strand). VCF-style: chr9-6556186-C-A. GRCh37 (hg19) VCF-style: chr9-6556186-C-A.
Other names: short protein forms Q723H.
Identifiers: ClinVar variation 1306021 (VCV001306021.2), dbSNP rs2129725996, ClinGen allele CA372881228.